The following is an entry in ClinVar:

ClinVar aggregate classification (germline): Likely benign. Review status: criteria provided, multiple submitters, no conflicts (2 of 4 stars). 5 submissions from 5 submitters: Likely benign (4). 1 of the submissions does not count toward it. Last evaluated 2025-10-15.

Conditions:
KMT2D-related disorder. Also called: KMT2D-Related Disorders.
Kabuki syndrome. Also called: Kabuki make-up syndrome; NIIKAWA-KUROKI SYNDROME. Identifiers: MedGen C0796004, MONDO:0016512, Orphanet 2322.

Allele frequency attached by ClinVar (database versions not stated): ExAC 0.00005; gnomAD 0.00005 and 0.00006; gnomAD exomes 0.00005 and 0.00016; TOPMed 0.00006; 1000 Genomes Project 30x 0.00016.

Submissions (5):

Labcorp Genetics (formerly Invitae), Labcorp
Classification: Likely benign for Kabuki syndrome. Last evaluated: 2025-10-15. Review status: criteria provided, single submitter. Criteria: Invitae Variant Classification Sherloc (09022015). Collection method: clinical testing. Allele origin: germline.

Laboratory of Genetics, Children's Clinical University Hospital Latvia
Classification: Likely benign. Last evaluated: 2025-02-16. Review status: criteria provided, single submitter. Criteria: ACMG Guidelines, 2015. Collection method: clinical testing. Allele origin: germline. Affected: yes.

Blueprint Genetics
Classification: Likely benign. Last evaluated: 2023-07-20. Review status: criteria provided, single submitter. Criteria: ACMG Guidelines, 2015. Collection method: clinical testing. Allele origin: germline.

Breakthrough Genomics
Classification: Likely benign. Review status: criteria provided, single submitter. Criteria: ACMG Guidelines, 2015. Collection method: not provided. Allele origin: germline. Inheritance: Autosomal dominant inheritance. Affected: yes.

PreventionGenetics, part of Exact Sciences
Classification: Uncertain significance for KMT2D-related condition. Last evaluated: 2024-07-09. Review status: no assertion criteria provided. Collection method: clinical testing. Allele origin: germline. Not counted in ClinVar's aggregate classification.
Comment: The KMT2D c.2129C>G variant is predicted to result in the amino acid substitution p.Pro710Arg. This variant was reported in an individual with Kabuki syndrome (Faundes et al 2019. PubMed ID: 30459467). This variant is reported in 0.011% of alleles in individuals of European (Non-Finnish) descent in gnomAD. Although we suspect that this variant may be benign, at this time, the clinical significance of this variant is uncertain due to the absence of conclusive functional and genetic evidence.

NM_003482.4(KMT2D):c.2129C>G (p.Pro710Arg)

Gene: KMT2D (lysine methyltransferase 2D; minus strand). Cytogenetic location: 12q13.12.
Variant type: single nucleotide variant.
Coding change: c.2129C>G on transcript NM_003482.4 (MANE Select); coding-DNA position 2129, C replaced by G.
Protein change: p.Pro710Arg; replaces proline 710 with arginine.
Molecular consequence: missense variant.
Genome position (GRCh38, 1-based): chr12:49,051,554, G>C on the plus strand (C>G on the coding strand, the complement: KMT2D is on the minus strand). VCF-style: chr12-49051554-G-C. GRCh37 (hg19) VCF-style: chr12-49445337-G-C.
Other names: c.2129C>G (NM_003482.3); short protein forms P710R.
Identifiers: ClinVar variation 1532421 (VCV001532421.13), dbSNP rs758912919, ClinGen allele CA6548338.